The following is an entry in ClinVar:

NM_003803.4(MYOM1):c.4720G>A (p.Val1574Met)

Gene: MYOM1 (myomesin 1; minus strand). Cytogenetic location: 18p11.31.
Variant type: single nucleotide variant.
Coding change: c.4720G>A on transcript NM_003803.4 (MANE Select); coding-DNA position 4720, G replaced by A.
Protein change: p.Val1574Met; replaces valine 1574 with methionine.
Molecular consequence: missense variant.
Genome position (GRCh38, 1-based): chr18:3,071,878, C>T on the plus strand (G>A on the coding strand, the complement: MYOM1 is on the minus strand). VCF-style: chr18-3071878-C-T. GRCh37 (hg19) VCF-style: chr18-3071876-C-T.
Other names: c.4720G>A (NM_003803.3); c.4432G>A, p.Val1478Met (NM_019856.2); short protein forms V1478M, V1574M.
Identifiers: ClinVar variation 1057129 (VCV001057129.10), dbSNP rs1408010275, ClinGen allele CA401706442.

ClinVar aggregate classification (germline): Uncertain significance. Review status: criteria provided, multiple submitters, no conflicts (2 of 4 stars). 2 submissions from 2 submitters: Uncertain significance (2). Last evaluated 2026-02-19.

Conditions:
Hypertrophic cardiomyopathy. Also called: HYPERTROPHIC MYOCARDIOPATHY. Identifiers: Orphanet 217569, MedGen C0007194, MeSH D002312, MONDO:0005045, HP:0001639.

gnomAD v4.1: 3 of 1,605,180 alleles (0.00019%); highest among the groups gnomAD compares: Non-Finnish European, 0.00026%; no homozygotes.

Submissions (2):

Ambry Genetics
Classification: Uncertain significance. Last evaluated: 2026-02-19. Review status: criteria provided, single submitter. Criteria: Ambry Variant Classification Scheme 2023. Collection method: clinical testing. Allele origin: germline.
Comment: The p.V1574M variant (also known as c.4720G>A), located in coding exon 36 of the MYOM1 gene, results from a G to A substitution at nucleotide position 4720. The valine at codon 1574 is replaced by methionine, an amino acid with highly similar properties. This amino acid position is conserved. In addition, the in silico prediction for this alteration is inconclusive. Based on the available evidence, the clinical significance of this variant remains unclear.

Labcorp Genetics (formerly Invitae), Labcorp
Classification: Uncertain significance for Hypertrophic cardiomyopathy. Last evaluated: 2025-12-28. Review status: criteria provided, single submitter. Criteria: Invitae Variant Classification Sherloc (09022015). Collection method: clinical testing. Allele origin: germline.
Comment: This sequence change replaces valine, which is neutral and non-polar, with methionine, which is neutral and non-polar, at codon 1574 of the MYOM1 protein (p.Val1574Met). This variant is present in population databases (no rsID available, gnomAD 0.001%). This variant has not been reported in the literature in individuals affected with MYOM1-related conditions. ClinVar contains an entry for this variant (Variation ID: 1057129). Invitae Evidence Modeling of protein sequence and biophysical properties (such as structural, functional, and spatial information, amino acid conservation, physicochemical variation, residue mobility, and thermodynamic stability) indicates that this missense variant is not expected to disrupt MYOM1 protein function with a negative predictive value of 80%. In summary, the available evidence is currently insufficient to determine the role of this variant in disease. Therefore, it has been classified as a Variant of Uncertain Significance.